The following is an entry in ClinVar:

ClinVar aggregate classification (germline): Benign (1 of 4 stars; one submission).

gnomAD v4.1: 20,107 of 1,608,608 alleles (1.2%); highest among the groups gnomAD compares: Non-Finnish European, 1.5%; 150 homozygotes.

Submission:

CeGaT Center for Human Genetics Tuebingen
Classification: Benign. Last evaluated: 2026-01-01. Review status: criteria provided, single submitter. Criteria: CeGaT Center For Human Genetics Tuebingen Variant Classification Criteria Version 2. Collection method: clinical testing. Allele origin: germline. Affected: yes. Observed: 4 variant alleles.
Comment: SAA1: BP4, BS1, BS2

NM_199161.5(SAA1):c.323A>G (p.Lys108Arg)

Gene: SAA1 (serum amyloid A1; plus strand). Cytogenetic location: 11p15.1.
Variant type: single nucleotide variant.
Coding change: c.323A>G on transcript NM_199161.5 (MANE Select); coding-DNA position 323, A replaced by G.
Protein change: p.Lys108Arg; replaces lysine 108 with arginine.
Molecular consequence: missense variant.
Genome position (GRCh38, 1-based): chr11:18,269,809, A>G. VCF-style: chr11-18269809-A-G. GRCh37 (hg19) VCF-style: chr11-18291356-A-G.
Other names: c.323A>G, p.Lys108Arg (NM_000331.6, NM_001178006.3); short protein forms K108R.
Identifiers: ClinVar variation 3387956 (VCV003387956.14).